The following is an entry in ClinVar:

NM_020921.4(NIN):c.2512G>A (p.Gly838Arg)

Gene: NIN (ninein; minus strand). Cytogenetic location: 14q22.1.
Variant type: single nucleotide variant.
Coding change: c.2512G>A on transcript NM_020921.4 (MANE Select); coding-DNA position 2512, G replaced by A.
Protein change: p.Gly838Arg; replaces glycine 838 with arginine.
Molecular consequence: missense variant. On other transcripts: intron variant (1).
Genome position (GRCh38, 1-based): chr14:50,758,518, C>T on the plus strand (G>A on the coding strand, the complement: NIN is on the minus strand). VCF-style: chr14-50758518-C-T. GRCh37 (hg19) VCF-style: chr14-51225236-C-T.
Other names: c.2512G>A, p.Gly838Arg (NM_182944.3, NM_182946.2); c.2399+1339G>A (NM_016350.5); short protein forms G838R.
Identifiers: ClinVar variation 3623481 (VCV003623481.2).

ClinVar aggregate classification (germline): Uncertain significance (1 of 4 stars; one submission).

gnomAD v4.1: 13 of 1,614,056 alleles (0.00081%); highest among the groups gnomAD compares: Admixed American, 0.0033%; no homozygotes.

Submission:

Labcorp Genetics (formerly Invitae), Labcorp
Classification: Uncertain significance. Last evaluated: 2024-02-10. Review status: criteria provided, single submitter. Criteria: Invitae Variant Classification Sherloc (09022015). Collection method: clinical testing. Allele origin: germline.
Comment: This sequence change replaces glycine, which is neutral and non-polar, with arginine, which is basic and polar, at codon 838 of the NIN protein (p.Gly838Arg). This variant is present in population databases (no rsID available, gnomAD 0.0009%). This variant has not been reported in the literature in individuals affected with NIN-related conditions. Algorithms developed to predict the effect of missense changes on protein structure and function output the following: SIFT: "Not Available"; PolyPhen-2: "Benign"; Align-GVGD: "Not Available". The arginine amino acid residue is found in multiple mammalian species, which suggests that this missense change does not adversely affect protein function. In summary, the available evidence is currently insufficient to determine the role of this variant in disease. Therefore, it has been classified as a Variant of Uncertain Significance.